The following is an entry in ClinVar:

NM_178857.6(RP1L1):c.2049C>T (p.Thr683=)

Gene: RP1L1 (RP1 like 1). Cytogenetic location: 8p23.1.
Variant type: single nucleotide variant.
Coding change: c.2049C>T on transcript NM_178857.6 (MANE Select); coding-DNA position 2049, C replaced by T.
Protein change: p.Thr683=; no amino-acid change (threonine 683 retained).
Molecular consequence: synonymous variant.
Genome position (GRCh38, 1-based): chr8:10,612,049, G>A on the plus strand (C>T on the coding strand, the complement: RP1L1 is on the minus strand). VCF-style: chr8-10612049-G-A. GRCh37 (hg19) VCF-style: chr8-10469559-G-A.
Identifiers: ClinVar variation 361360 (VCV000361360.6), dbSNP rs146670053, ClinGen allele CA4624958.

ClinVar aggregate classification (germline): Benign. Review status: criteria provided, multiple submitters, no conflicts (2 of 4 stars). 2 submissions from 2 submitters: Benign (2). Last evaluated 2018-01-13.

Conditions:
Occult macular dystrophy (OCMD). Also called: OMD; OCCULT MACULAR DYSTROPHY, SUSCEPTIBILITY TO. Identifiers: Orphanet 247834, MedGen C3150833, MONDO:0013316, OMIM 613587, HP:0030636.

Allele frequency attached by ClinVar (database versions not stated): gnomAD 0.00011 and 0.00102; TOPMed 0.00023; gnomAD exomes 0.00292; ExAC 0.00330; 1000 Genomes Project 30x 0.00718; 1000 Genomes Project 0.00719.

Submissions (2):

Illumina Laboratory Services, Illumina
Classification: Benign for Occult macular dystrophy. Last evaluated: 2018-01-13. Review status: criteria provided, single submitter. Criteria: ICSL Variant Classification Criteria 13 December 2019. Collection method: clinical testing. Allele origin: germline.
Comment: This variant was observed in the ICSL laboratory as part of a predisposition screen in an ostensibly healthy population. It had not been previously curated by ICSL or reported in the Human Gene Mutation Database (HGMD: prior to June 1st, 2018), and was therefore a candidate for classification through an automated scoring system. Utilizing variant allele frequency, disease prevalence and penetrance estimates, and inheritance mode, an automated score was calculated to assess if this variant is too frequent to cause the disease. Based on the score and internal cut-off values, a variant classified as benign is not then subjected to further curation. The score for this variant resulted in a classification of benign for this disease.

Breakthrough Genomics
Classification: Benign. Review status: criteria provided, single submitter. Criteria: ACMG Guidelines, 2015. Collection method: not provided. Allele origin: germline. Inheritance: Autosomal recessive inheritance. Affected: yes.